The following is an entry in ClinVar:

ClinVar aggregate classification (germline): Uncertain significance (1 of 4 stars; one submission).

Conditions:
Retinitis pigmentosa (RP). Identifiers: Orphanet 791, MedGen C0035334, MeSH D012174, MONDO:0019200, OMIM 268000. Inheritance: Autosomal dominant, autosomal recessive and X linked inheritance.

Submission:

Broad Center for Mendelian Genomics, Broad Institute of MIT and Harvard
Classification: Uncertain significance for Retinitis pigmentosa. Last evaluated: 2021-04-01. Review status: criteria provided, single submitter. Criteria: ACMG Guidelines, 2015. Collection method: curation. Allele origin: germline. Inheritance: Autosomal recessive inheritance. Affected: yes.
Comment: Through a review of available evidence we were able to apply the following criteria: PM2, PP3, PM3-P. Based on this evidence we have classified this variant as a Variant of Uncertain Significance. If you have any questions about the classification please reach out to the Pierce Lab.

Literature cited by the submitters: PubMed 34906470.

NM_001297.5(CNGB1):c.3185T>G (p.Leu1062Arg)

Gene: CNGB1 (cyclic nucleotide gated channel subunit beta 1; minus strand). Cytogenetic location: 16q21.
Variant type: single nucleotide variant.
Coding change: c.3185T>G on transcript NM_001297.5 (MANE Select); coding-DNA position 3185, T replaced by G.
Protein change: p.Leu1062Arg; replaces leucine 1062 with arginine.
Molecular consequence: missense variant.
Genome position (GRCh38, 1-based): chr16:57,897,454, A>C on the plus strand (T>G on the coding strand, the complement: CNGB1 is on the minus strand). VCF-style: chr16-57897454-A-C. GRCh37 (hg19) VCF-style: chr16-57931358-A-C.
Other names: c.3167T>G, p.Leu1056Arg (NM_001286130.2); short protein forms L1056R, L1062R.
Identifiers: ClinVar variation 1297150 (VCV001297150.2), dbSNP rs773593999, ClinGen allele CA396066115.